The following is an entry in ClinVar:

ClinVar aggregate classification (germline): Uncertain significance (1 of 4 stars; one submission).

gnomAD v4.1: 1 of 1,610,350 alleles (0.000062%); highest among the groups gnomAD compares: Middle Eastern, 0.017%; no homozygotes.

Submission:

GeneDx
Classification: Uncertain significance. Last evaluated: 2022-08-03. Review status: criteria provided, single submitter. Criteria: GeneDx Variant Classification Process June 2021. Collection method: clinical testing. Allele origin: germline. Affected: yes.
Comment: Not observed at significant frequency in large population cohorts (gnomAD); In silico analysis supports that this missense variant has a deleterious effect on protein structure/function; In silico analysis supports that this missense variant does not alter protein structure/function; Has not been previously published as pathogenic or benign to our knowledge

NM_012414.4(RAB3GAP2):c.2005G>T (p.Ala669Ser)

Gene: RAB3GAP2 (RAB3 GTPase activating non-catalytic protein subunit 2; minus strand). Cytogenetic location: 1q41.
Variant type: single nucleotide variant.
Coding change: c.2005G>T on transcript NM_012414.4 (MANE Select); coding-DNA position 2005, G replaced by T.
Protein change: p.Ala669Ser; replaces alanine 669 with serine.
Molecular consequence: missense variant.
Genome position (GRCh38, 1-based): chr1:220,182,925, C>A on the plus strand (G>T on the coding strand, the complement: RAB3GAP2 is on the minus strand). VCF-style: chr1-220182925-C-A. GRCh37 (hg19) VCF-style: chr1-220356267-C-A.
Other names: short protein forms A669S.
Identifiers: ClinVar variation 2428825 (VCV002428825.3), dbSNP rs2528663669, ClinGen allele CA344643139.